The following is an entry in ClinVar:

NM_001024630.4(RUNX2):c.391C>G (p.Arg131Gly)

Gene: RUNX2 (RUNX family transcription factor 2; plus strand). Cytogenetic location: 6p21.1.
Variant type: single nucleotide variant.
Coding change: c.391C>G on transcript NM_001024630.4 (MANE Select); coding-DNA position 391, C replaced by G.
Protein change: p.Arg131Gly; replaces arginine 131 with glycine.
Molecular consequence: missense variant.
Genome position (GRCh38, 1-based): chr6:45,422,925, C>G. VCF-style: chr6-45422925-C-G. GRCh37 (hg19) VCF-style: chr6-45390662-C-G.
Other names: c.391C>G, p.Arg131Gly (NM_001015051.4); c.349C>G, p.Arg117Gly (NM_001278478.2, NM_001369405.1, NM_004348.3); short protein forms R131G, R117G.
Identifiers: ClinVar variation 2734879 (VCV002734879.3), dbSNP rs2548582230, ClinGen allele CA363958661.

ClinVar aggregate classification (germline): Likely pathogenic (1 of 4 stars; one submission).

Allele frequency attached by ClinVar (database versions not stated): gnomAD exomes below 0.00001.
gnomAD v4.1: 1 of 1,612,340 alleles (0.000062%); highest among the groups gnomAD compares: Non-Finnish European, 0.000085%; no homozygotes.

Submission:

Labcorp Genetics (formerly Invitae), Labcorp
Classification: Likely pathogenic. Last evaluated: 2023-10-07. Review status: criteria provided, single submitter. Criteria: Invitae Variant Classification Sherloc (09022015). Collection method: clinical testing. Allele origin: germline.
Comment: This sequence change replaces arginine, which is basic and polar, with glycine, which is neutral and non-polar, at codon 131 of the RUNX2 protein (p.Arg131Gly). This variant is not present in population databases (gnomAD no frequency). This missense change has been observed in individuals with cleidocranial dysplasia (PMID: 16270353; Invitae). Advanced modeling of protein sequence and biophysical properties (such as structural, functional, and spatial information, amino acid conservation, physicochemical variation, residue mobility, and thermodynamic stability) performed at Invitae indicates that this missense variant is expected to disrupt RUNX2 protein function. Experimental studies have shown that this missense change affects RUNX2 function (PMID: 20225274). This variant disrupts the p.Arg131 amino acid residue in RUNX2. Other variant(s) that disrupt this residue have been determined to be pathogenic (Invitae). This suggests that this residue is clinically significant, and that variants that disrupt this residue are likely to be disease-causing. In summary, the currently available evidence indicates that the variant is pathogenic, but additional data are needed to prove that conclusively. Therefore, this variant has been classified as Likely Pathogenic.

Literature cited by the submitters: PubMed 16270353; PubMed 20225274.